The following is an entry in ClinVar:

ClinVar aggregate classification (germline): Conflicting classifications of pathogenicity. Review status: criteria provided, conflicting classifications (1 of 4 stars). 2 submissions from 2 submitters: Uncertain significance (1); Likely benign (1). Last evaluated 2024-12-23.

Conditions:
NIK deficiency. Also called: Primary immunodeficiency with multifaceted aberrant lymphoid immunity. Identifiers: Orphanet 447731, MedGen C5680065, MONDO:0018642.

Allele frequency attached by ClinVar (database versions not stated): gnomAD exomes 0.00002; gnomAD 0.00003 and 0.00004; TOPMed 0.00003.
gnomAD v4.1: 34 of 1,567,488 alleles (0.0022%); highest among the groups gnomAD compares: Middle Eastern, 0.034%; no homozygotes.

Submissions (2):

Labcorp Genetics (formerly Invitae), Labcorp
Classification: Likely benign for NIK deficiency. Last evaluated: 2024-12-23. Review status: criteria provided, single submitter. Criteria: Invitae Variant Classification Sherloc (09022015). Collection method: clinical testing. Allele origin: germline.

Center for Genomics, Ann and Robert H. Lurie Children's Hospital of Chicago
Classification: Uncertain significance. Last evaluated: 2021-07-15. Review status: criteria provided, single submitter. Criteria: ACMG Guidelines, 2015. Collection method: clinical testing. Allele origin: germline.
Comment: MAP3K14 NM_003954.4 intron 13 c.2433+8G>A: This variant has not been reported in the literature but is present in 0.004% (3/68030) of European alleles in the Genome Aggregation Database. Evolutionary conservation and computational predictive tools for this variant are limited or unavailable. This variant is an intronic variant with no predicted change in the amino acid sequence but may have an unknown effect on splicing. Computational prediction tools do not suggest that it alters splicing. Further studies are needed to understand its impact. In summary, data on this variant is insufficient for disease classification. Therefore, the clinical significance of this variant is uncertain.

NM_003954.5(MAP3K14):c.2433+8G>A

Genes: MAP3K14 (mitogen-activated protein kinase kinase kinase 14; minus strand), MAP3K14-AS1 (MAP3K14 antisense RNA 1; plus strand), LOC126862575 (CDK7 strongly-dependent group 2 enhancer GRCh37_chr17:43344006-43345205; plus strand). Cytogenetic location: 17q21.31.
Variant type: single nucleotide variant.
Coding change: c.2433+8G>A on transcript NM_003954.5 (MANE Select); 8 bases into the intron after coding-DNA position 2433, G replaced by A.
Molecular consequence: intron variant.
Genome position (GRCh38, 1-based): chr17:45,267,084, C>T on the plus strand (G>A on the coding strand, the complement: MAP3K14 is on the minus strand). VCF-style: chr17-45267084-C-T. GRCh37 (hg19) VCF-style: chr17-43344451-C-T.
Identifiers: ClinVar variation 1580497 (VCV001580497.8), dbSNP rs921192159, ClinGen allele CA291053632.